The following is an entry in ClinVar:

ClinVar aggregate classification (germline): Uncertain significance (1 of 4 stars; one submission).

gnomAD v4.1: 1 of 1,508,030 alleles (0.000066%); highest among the groups gnomAD compares: African/African-American, 0.0014%; no homozygotes.

Submission:

GeneDx
Classification: Uncertain significance. Last evaluated: 2025-04-30. Review status: criteria provided, single submitter. Criteria: GeneDx Variant Classification Process June 2021. Collection method: clinical testing. Allele origin: germline. Affected: yes.
Comment: Not observed at significant frequency in large population cohorts (gnomAD); In silico analysis suggests that this missense variant does not alter protein structure/function; Has not been previously published as pathogenic or benign to our knowledge

NM_003403.5(YY1):c.602G>C (p.Gly201Ala)

Gene: YY1 (YY1 transcription factor; plus strand). Cytogenetic location: 14q32.2.
Variant type: single nucleotide variant.
Coding change: c.602G>C on transcript NM_003403.5 (MANE Select); coding-DNA position 602, G replaced by C.
Protein change: p.Gly201Ala; replaces glycine 201 with alanine.
Molecular consequence: missense variant.
Genome position (GRCh38, 1-based): chr14:100,239,846, G>C. VCF-style: chr14-100239846-G-C. GRCh37 (hg19) VCF-style: chr14-100706183-G-C.
Other names: short protein forms G201A.
Identifiers: ClinVar variation 4527019 (VCV004527019.1).